The following is an entry in ClinVar:

NM_000996.4(RPL35A):c.118_119del (p.Glu40fs)

Genes: DRC9 (dynein regulatory complex subunit 9; minus strand), RPL35A (ribosomal protein L35a; plus strand). Cytogenetic location: 3q29.
Variant type: Deletion.
Coding change: c.118_119del on transcript NM_000996.4 (MANE Select); coding-DNA positions 118 to 119, 2 bases deleted (GA; older notation c.118_119delGA).
Protein change: p.Glu40fs; shifts the reading frame from glutamic acid 40.
Molecular consequence: frameshift variant. On other transcripts: intron variant (3).
Genome position (GRCh38, 1-based): chr3:197,951,265-197,951,266, GA deleted; deleting any 2 consecutive bases within chr3:197,951,264-197,951,266 gives the same sequence; the c. name uses the placement nearest the transcript's 3' end. VCF-style (leftmost placement, unchanged base first): chr3-197951263-CAG-C. GRCh37 (hg19) VCF-style: chr3-197678134-CAG-C.
Other names: c.118_119del, p.Glu40fs (NM_001316311.2); c.-49-7214_-49-7213del (NM_001323028.2); c.-59-5579_-59-5578del (NM_032263.5); c.-374-5579_-374-5578del (NM_001323029.2); short protein forms E40fs.
Identifiers: ClinVar variation 583098 (VCV000583098.8), dbSNP rs1560120302, ClinGen allele CA891843087.

ClinVar aggregate classification (germline): Pathogenic. Review status: criteria provided, multiple submitters, no conflicts (2 of 4 stars). 2 submissions from 2 submitters: Pathogenic (2). Last evaluated 2018-05-15.

Conditions:
Diamond-Blackfan anemia 5 (DBA5). Also called: RPL35A-Related Diamond-Blackfan Anemia. Identifiers: Orphanet 124, MedGen C2675859, MONDO:0012925, OMIM 612528.
Diamond-Blackfan anemia. Also called: Aase syndrome; Blackfan Diamond syndrome; Aregenerative anemia chronic congenital; Red cell aplasia, pure hereditary; Congenital hypoplastic anemia. Identifiers: Orphanet 124, MedGen C1260899, MeSH D029503, MONDO:0015253, HP:0004810.

Submissions (2):

Labcorp Genetics (formerly Invitae), Labcorp
Classification: Pathogenic for Diamond-Blackfan anemia 5. Last evaluated: 2018-05-15. Review status: criteria provided, single submitter. Criteria: Invitae Variant Classification Sherloc (09022015). Collection method: clinical testing. Allele origin: germline.
Comment: For these reasons, this variant has been classified as Pathogenic. Loss-of-function variants in RPL35A are known to be pathogenic (PMID: PMID: 18535205, 25946618). This variant has not been reported in the literature in individuals with RPL35A-related disease. This variant is not present in population databases (ExAC no frequency). This sequence change creates a premature translational stop signal (p.Glu40Ilefs*12) in the RPL35A gene. It is expected to result in an absent or disrupted protein product.

Ambry Genetics
Classification: Pathogenic for Diamond-Blackfan anemia. Last evaluated: 2016-10-13. Review status: criteria provided, single submitter. Criteria: Ambry Variant Classification Scheme 2023. Collection method: clinical testing. Allele origin: germline.
Comment: The c.118_119delGA pathogenic mutation, located in coding exon 2 of the RPL35A gene, results from a deletion of two nucleotides at nucleotide positions 118 to 119, causing a translational frameshift with a predicted alternate stop codon (p.E40Ifs*12). This alteration is expected to result in loss of function by premature protein truncation or nonsense-mediated mRNA decay. As such, this alteration is interpreted as a disease-causing mutation.

Literature cited by the submitters: PubMed 18535205 (cited by Labcorp Genetics (formerly Invitae), Labcorp); PubMed 25946618 (cited by Labcorp Genetics (formerly Invitae), Labcorp).